The following is an entry in ClinVar:

ClinVar aggregate classification (germline): Uncertain significance. Review status: criteria provided, multiple submitters, no conflicts (2 of 4 stars). 3 submissions from 3 submitters: Uncertain significance (3). Last evaluated 2024-10-02.

Allele frequency attached by ClinVar (database versions not stated): ExAC 0.00001; gnomAD exomes 0.00001.
gnomAD v4.1: 11 of 1,613,424 alleles (0.00068%); highest among the groups gnomAD compares: East Asian, 0.0022%; no homozygotes.

Submissions (3):

Blueprint Genetics
Classification: Uncertain significance. Last evaluated: 2024-10-02. Review status: criteria provided, single submitter. Criteria: ACMG Guidelines, 2015. Collection method: clinical testing. Allele origin: germline.

Women's Health and Genetics/Laboratory Corporation of America, LabCorp
Classification: Uncertain significance. Last evaluated: 2022-12-16. Review status: criteria provided, single submitter. Criteria: LabCorp Variant Classification Summary - May 2015. Collection method: clinical testing. Allele origin: germline.
Comment: Variant summary: ERCC2 c.1133G>A (p.Arg378His) results in a non-conservative amino acid change located in the helical and beta-bridge domain (IPR010643) of the encoded protein sequence. Five of five in-silico tools predict a damaging effect of the variant on protein function. The variant allele was found at a frequency of 1.2e-05 in 251280 control chromosomes (gnomAD). The available data on variant occurrences in the general population are insufficient to allow any conclusion about variant significance. c.1133G>A has been reported in the literature as a compound heterozygous genotype in at least one individual affected with Trichothiodystrophy (e.g. Boyle_2008, Zhou_2013). These data do not allow any conclusion about variant significance. At least one publication reports experimental evidence evaluating an impact on protein function (Boyle_2008), and found reduced protein levels in cells derived from a patient harboring the variant; however since this patient is a compound heterozygote, this does not allow these effects to be attributed specifically to the c.1133G>A variant. No clinical diagnostic laboratories have submitted clinical-significance assessments for this variant to ClinVar after 2014. Based on the evidence outlined above, the variant was classified as uncertain significance.

Labcorp Genetics (formerly Invitae), Labcorp
Classification: Uncertain significance. Last evaluated: 2022-08-31. Review status: criteria provided, single submitter. Criteria: Invitae Variant Classification Sherloc (09022015). Collection method: clinical testing. Allele origin: germline.
Comment: This sequence change replaces arginine, which is basic and polar, with histidine, which is basic and polar, at codon 378 of the ERCC2 protein (p.Arg378His). This variant is present in population databases (rs200043231, gnomAD 0.003%). This missense change has been observed in individual(s) with trichothiodystrophy (PMID: 18470933). Algorithms developed to predict the effect of missense changes on protein structure and function are either unavailable or do not agree on the potential impact of this missense change (SIFT: "Deleterious"; PolyPhen-2: "Probably Damaging"; Align-GVGD: "Class C0"). In summary, the available evidence is currently insufficient to determine the role of this variant in disease. Therefore, it has been classified as a Variant of Uncertain Significance.

Literature cited by the submitters: PubMed 23232694 (cited by Women's Health and Genetics/Laboratory Corporation of America, LabCorp); PubMed 18470933 (cited by Women's Health and Genetics/Laboratory Corporation of America, LabCorp and Labcorp Genetics (formerly Invitae), Labcorp).

NM_000400.4(ERCC2):c.1133G>A (p.Arg378His)

Gene: ERCC2 (ERCC excision repair 2, TFIIH core complex helicase subunit; minus strand). Cytogenetic location: 19q13.32.
Variant type: single nucleotide variant.
Coding change: c.1133G>A on transcript NM_000400.4 (MANE Select); coding-DNA position 1133, G replaced by A.
Protein change: p.Arg378His; replaces arginine 378 with histidine.
Molecular consequence: missense variant.
Genome position (GRCh38, 1-based): chr19:45,361,628, C>T on the plus strand (G>A on the coding strand, the complement: ERCC2 is on the minus strand). VCF-style: chr19-45361628-C-T. GRCh37 (hg19) VCF-style: chr19-45864886-C-T.
Other names: c.1061G>A, p.Arg354His (NM_001130867.2); short protein forms R378H, R354H.
Identifiers: ClinVar variation 1812770 (VCV001812770.4), dbSNP rs200043231, ClinGen allele CA9513493.
Genomic context (GRCh38, chr19:45,361,628, plus strand): 5'-GTGAGCGGGGAGAAGTCAGCAAGGTCGGTGATCTCCAGAGTATGCAGCAGGGACCGGAGG[C>T]GTTCAGCACAGAATCTGGCGGGGAGGAGAGACGGGGTCGGGGGGCAGACGGAAGCATGAG-3'
Protein context (NP_000391.1, residues 368-388): QRKPLRFCAE[Arg378His]LRSLLHTLEI